The following is an entry in ClinVar:

ClinVar aggregate classification (germline): Uncertain significance (1 of 4 stars; one submission).

Conditions:
Surfactant metabolism dysfunction, pulmonary, 4 (SMDP4). Also called: PAP DUE TO CSF2RA DEFICIENCY; PULMONARY ALVEOLAR PROTEINOSIS, CONGENITAL, 4; CSF2RA DEFICIENCY. Identifiers: Orphanet 264675, MedGen C2677877, MONDO:0010424, OMIM 300770.

gnomAD v4.1: 5 of 1,613,982 alleles (0.00031%); highest among the groups gnomAD compares: Non-Finnish European, 0.00042%; no homozygotes.

Submission:

Labcorp Genetics (formerly Invitae), Labcorp
Classification: Uncertain significance for Surfactant metabolism dysfunction, pulmonary, 4. Last evaluated: 2022-07-12. Review status: criteria provided, single submitter. Criteria: Invitae Variant Classification Sherloc (09022015). Collection method: clinical testing. Allele origin: germline.
Comment: This sequence change replaces glutamic acid, which is acidic and polar, with glutamine, which is neutral and polar, at codon 375 of the CSF2RA protein (p.Glu375Gln). This variant is not present in population databases (gnomAD no frequency). This variant has not been reported in the literature in individuals affected with CSF2RA-related conditions. ClinVar contains an entry for this variant (Variation ID: 1485643). Algorithms developed to predict the effect of missense changes on protein structure and function output the following: SIFT: "Tolerated"; PolyPhen-2: "Benign"; Align-GVGD: "Class C0". The glutamine amino acid residue is found in multiple mammalian species, which suggests that this missense change does not adversely affect protein function. In summary, the available evidence is currently insufficient to determine the role of this variant in disease. Therefore, it has been classified as a Variant of Uncertain Significance.

NM_172245.4(CSF2RA):c.1123G>C (p.Glu375Gln)

Gene: CSF2RA (colony stimulating factor 2 receptor subunit alpha; plus strand). Cytogenetic location: Xp22.33.
Variant type: single nucleotide variant.
Coding change: c.1123G>C on transcript NM_172245.4 (MANE Select); coding-DNA position 1123, G replaced by C.
Protein change: p.Glu375Gln; replaces glutamic acid 375 with glutamine.
Molecular consequence: missense variant. On other transcripts: 3 prime UTR variant (5), non-coding transcript variant (1), intron variant (1).
Genome position (GRCh38, 1-based): chrX:1,305,525, G>C. VCF-style: chrX-1305525-G-C. GRCh37 (hg19) VCF-style: chrX-1424418-G-C.
Other names: c.1123G>C, p.Glu375Gln (NM_001161529.2, NM_001161531.2, NM_001379155.1 and 9 more transcripts); c.1225G>C, p.Glu409Gln (NM_001161530.2, NM_001379153.1, NM_001379154.1); c.724G>C, p.Glu242Gln (NM_001161532.2); c.1093G>C, p.Glu365Gln (NM_001379160.1); c.934G>C, p.Glu312Gln (NM_001379166.1); c.*24G>C (NM_001379167.1, NM_001379168.1, NM_001379169.1 and 2 more transcripts); c.947-3877G>C (NM_172246.4); short protein forms E365Q, E409Q, E312Q, E375Q, E242Q.
Identifiers: ClinVar variation 1485643 (VCV001485643.3), dbSNP rs200259335, ClinGen allele CA412237185.